The following is an entry in ClinVar:

NM_004329.3(BMPR1A):c.350A>G (p.Gln117Arg)

Gene: BMPR1A (bone morphogenetic protein receptor type 1A; plus strand). Cytogenetic location: 10q23.2.
Variant type: single nucleotide variant.
Coding change: c.350A>G on transcript NM_004329.3 (MANE Select); coding-DNA position 350, A replaced by G.
Protein change: p.Gln117Arg; replaces glutamine 117 with arginine.
Molecular consequence: missense variant.
Genome position (GRCh38, 1-based): chr10:86,899,810, A>G. VCF-style: chr10-86899810-A-G. GRCh37 (hg19) VCF-style: chr10-88659567-A-G.
Other names: short protein forms Q117R.
Identifiers: ClinVar variation 482865 (VCV000482865.22), dbSNP rs1360094214, ClinGen allele CA377449329.

ClinVar aggregate classification (germline): Uncertain significance. Review status: criteria provided, multiple submitters, no conflicts (2 of 4 stars). 6 submissions from 6 submitters: Uncertain significance (6). Last evaluated 2025-11-20.

Conditions:
Hereditary cancer-predisposing syndrome. Also called: Hereditary neoplastic syndrome; Neoplastic Syndromes, Hereditary; Tumor predisposition; Hereditary Cancer Syndrome. Identifiers: Orphanet 140162, MedGen C0027672, MeSH D009386, MONDO:0015356.
Juvenile polyposis syndrome (JPS). Identifiers: Orphanet 2929, MedGen C0345893, MONDO:0017380, OMIM 174900.
Polyposis syndrome, hereditary mixed, 2. Identifiers: Orphanet 157794, MedGen C1864730, MONDO:0012405, OMIM 610069.

Allele frequency attached by ClinVar (database versions not stated): gnomAD exomes below 0.00001; TOPMed below 0.00001.
gnomAD v4.1: 1 of 1,614,058 alleles (0.000062%); highest among the groups gnomAD compares: East Asian, 0.0022%; no homozygotes.

Submissions (6):

Ambry Genetics
Classification: Uncertain significance for Hereditary cancer-predisposing syndrome. Last evaluated: 2025-11-20. Review status: criteria provided, single submitter. Criteria: Ambry Variant Classification Scheme 2023. Collection method: clinical testing. Allele origin: germline.

GeneDx
Classification: Uncertain significance. Last evaluated: 2024-05-17. Review status: criteria provided, single submitter. Criteria: GeneDx Variant Classification Process June 2021. Collection method: clinical testing. Allele origin: germline. Affected: yes.
Comment: Not observed at significant frequency in large population cohorts (gnomAD); In silico analysis indicates that this missense variant does not alter protein structure/function; Has not been previously published as pathogenic or benign to our knowledge; This variant is associated with the following publications: (PMID: 10881198, 22799562, 23433720)

All of Us Research Program, National Institutes of Health
Classification: Uncertain significance for Juvenile polyposis syndrome. Last evaluated: 2023-08-15. Review status: criteria provided, single submitter. Criteria: ACMG Guidelines, 2015. Collection method: clinical testing. Allele origin: germline. Inheritance: Autosomal dominant inheritance. Observed: 1 variant allele, 1 heterozygote.
Comment: This study involves interpretation of variants in research participants for the purpose of population health screening. Participant phenotype was not available at the time of variant classification. Additional details can be found in publication PMID: 35346344, PMCID: PMC8962531

Labcorp Genetics (formerly Invitae), Labcorp
Classification: Uncertain significance for Juvenile polyposis syndrome. Last evaluated: 2023-07-16. Review status: criteria provided, single submitter. Criteria: Invitae Variant Classification Sherloc (09022015). Collection method: clinical testing. Allele origin: germline.
Comment: In summary, the available evidence is currently insufficient to determine the role of this variant in disease. Therefore, it has been classified as a Variant of Uncertain Significance. Advanced modeling performed at Invitae incorporating data from internal and/or published experimental studies (Invitae) indicates that this missense variant is not expected to disrupt BMPR1A function. ClinVar contains an entry for this variant (Variation ID: 482865). This variant has not been reported in the literature in individuals affected with BMPR1A-related conditions. This variant is not present in population databases (gnomAD no frequency). This sequence change replaces glutamine, which is neutral and polar, with arginine, which is basic and polar, at codon 117 of the BMPR1A protein (p.Gln117Arg).

Baylor Genetics
Classification: Uncertain significance for Polyposis syndrome, hereditary mixed, 2. Last evaluated: 2023-05-02. Review status: criteria provided, single submitter. Criteria: ACMG Guidelines, 2015. Collection method: clinical testing. Allele origin: unknown.

Color Diagnostics, LLC DBA Color Health
Classification: Uncertain significance for Hereditary cancer-predisposing syndrome. Last evaluated: 2019-05-16. Review status: criteria provided, single submitter. Criteria: ACMG Guidelines, 2015. Collection method: clinical testing. Allele origin: germline.